The following is an entry in ClinVar:

ClinVar aggregate classification (germline): Uncertain significance (1 of 4 stars; one submission).

Conditions:
MUC16-related disorder. Also called: MUC16-related condition.

Submission:

PreventionGenetics, part of Exact Sciences
Classification: Uncertain significance for MUC16-related condition. Last evaluated: 2025-04-23. Review status: criteria provided, single submitter. Criteria: ACMG Guidelines, 2015. Collection method: clinical testing. Allele origin: germline.
Comment: The MUC16 c.32108A>G variant is predicted to result in the amino acid substitution p.His10703Arg. To our knowledge, this variant has not been reported in the literature or in a large population database (gnomAD), indicating this variant is rare. At this time, the clinical significance of this variant is uncertain due to the absence of conclusive functional and genetic evidence.

NM_001401501.2(MUC16):c.32228A>G (p.His10743Arg)

Gene: MUC16 (mucin 16, cell surface associated; minus strand). Cytogenetic location: 19p13.2.
Variant type: single nucleotide variant.
Coding change: c.32228A>G on transcript NM_001401501.2 (MANE Select); coding-DNA position 32228, A replaced by G.
Protein change: p.His10743Arg; replaces histidine 10743 with arginine.
Molecular consequence: missense variant.
Genome position (GRCh38, 1-based): chr19:8,938,847, T>C on the plus strand (A>G on the coding strand, the complement: MUC16 is on the minus strand). VCF-style: chr19-8938847-T-C. GRCh37 (hg19) VCF-style: chr19-9049523-T-C.
Other names: c.32654A>G, p.His10885Arg (NM_001414686.1); c.32108A>G, p.His10703Arg (NM_001414687.1, NM_024690.2); short protein forms H10703R, H10743R, H10885R.
Identifiers: ClinVar variation 3355794 (VCV003355794.2).